The following is an entry in ClinVar:

ClinVar aggregate classification (germline): Pathogenic (1 of 4 stars; one submission).

Conditions:
Smith-Lemli-Opitz syndrome (SLOS). Also called: LETHAL ACRODYSGENITAL SYNDROME; POLYDACTYLY, SEX REVERSAL, RENAL HYPOPLASIA, AND UNILOBAR LUNG; RSH SYNDROME; RUTLEDGE LETHAL MULTIPLE CONGENITAL ANOMALY SYNDROME; 7-Dehydrocholesterol reductase deficiency. Identifiers: Orphanet 818, MedGen C0175694, MONDO:0010035, OMIM 270400.

Submission:

Myriad Genetics, Inc.
Classification: Pathogenic for Smith-Lemli-Opitz syndrome. Last evaluated: 2024-05-23. Review status: criteria provided, single submitter. Criteria: Myriad Autosomal Dominant, Autosomal Recessive and X-Linked Classification Criteria (2023). Collection method: clinical testing. Allele origin: unknown.
Comment: NM_001360.2(DHCR7):c.741delC(W248Gfs*19) is expected to be pathogenic in the context of Smith-Lemli-Opitz syndrome. This variant is predicted to lead to an abnormal or absent protein product due to the creation of a premature termination codon in DHCR7, a gene where loss-of-function variants are known to be pathogenic. Please note: this variant was assessed in the context of healthy population screening.

NM_001360.3(DHCR7):c.741del (p.Trp248fs)

Gene: DHCR7 (7-dehydrocholesterol reductase; minus strand). Cytogenetic location: 11q13.4.
Variant type: Deletion.
Coding change: c.741del on transcript NM_001360.3 (MANE Select); coding-DNA position 741, one base deleted (C; older notation c.741delC).
Protein change: p.Trp248fs; shifts the reading frame from tryptophan 248.
Molecular consequence: frameshift variant.
Genome position (GRCh38, 1-based): chr11:71,438,969, G deleted on the plus strand (C on the coding strand, the reverse complement: DHCR7 is on the minus strand); the first of 2 consecutive G bases (chr11:71,438,969-71,438,970); deleting either gives the same sequence. VCF-style (leftmost placement, unchanged base first): chr11-71438968-AG-A. GRCh37 (hg19) VCF-style: chr11-71150014-AG-A.
Other names: c.741del, p.Trp248fs (NM_001163817.2, NM_001425109.1, NM_001425110.1 and 6 more transcripts); c.792del, p.Trp265fs (NM_001425107.1); c.777del, p.Trp260fs (NM_001425108.1); c.681del, p.Trp228fs (NM_001425113.1); c.645del, p.Trp216fs (NM_001425114.1, NM_001425116.1); c.567del, p.Trp190fs (NM_001425117.1); short protein forms W190fs, W216fs, W228fs, W248fs, W260fs, W265fs.
Identifiers: ClinVar variation 5013093 (VCV005013093.1).
Genomic context (GRCh38, chr11:71,438,968, plus strand): 5'-TGGTCACATGGCTGTGGAGCTCCCGCTGCTTCGCTGCGAAGGACAGGTTGATGAGGGTCC[AG>A]GCGACGATCCCGGGGCGCCCATTGAAGAACAGCTTGAAGTCAAACCACTTCCCGATCCGA-3'